The following is an entry in ClinVar:

NM_006790.3(MYOT):c.220= (p.Gln74=)

Genes: MYOT (myotilin; plus strand), PKD2L2-DT (PKD2L2 divergent transcript; minus strand). Cytogenetic location: 5q31.2.
Variant type: single nucleotide variant.
Coding change: c.220= on transcript NM_006790.3 (MANE Select); coding-DNA position 220, no change from the reference sequence.
Protein change: p.Gln74=; no amino-acid change (glutamine 74 retained).
Molecular consequence: no sequence alteration. On other transcripts: intron variant (2).
Genome position: GRCh38 VCF-style: chr5-137870871-C-C. GRCh37 (hg19) VCF-style: chr5-137206560-A-C.
Other names: c.-120-6= (NM_001300911.2); c.-197+346= (NM_001135940.2).
Identifiers: ClinVar variation 167317 (VCV000167317.40), dbSNP rs6890689.

ClinVar aggregate classification (germline): Benign. Review status: criteria provided, multiple submitters, no conflicts (2 of 4 stars). 10 submissions from 10 submitters: Benign (7). 3 of the submissions do not count toward it. Last evaluated 2026-02-04.

Conditions:
Myofibrillar myopathy 3 (MFM3). Also called: Muscular dystrophy, proximal, type 1A; Autosomal dominant spheroid body myopathy. Identifiers: Orphanet 266, Orphanet 268129, MedGen C3714934, MONDO:0012215, OMIM 609200.

Allele frequency attached by ClinVar (database versions not stated): 1000 Genomes Project 30x 0.98329; TOPMed 0.98413; gnomAD 0.98540 and 0.98645; gnomAD exomes 0.99865.

Submissions (10):

Labcorp Genetics (formerly Invitae), Labcorp
Classification: Benign for Myofibrillar myopathy 3. Last evaluated: 2026-02-04. Review status: criteria provided, single submitter. Criteria: Invitae Variant Classification Sherloc (09022015). Collection method: clinical testing. Allele origin: germline.

Blueprint Genetics
Classification: Benign. Last evaluated: 2024-11-26. Review status: criteria provided, single submitter. Criteria: ACMG Guidelines, 2015. Collection method: clinical testing. Allele origin: germline.

ARUP Laboratories, Molecular Genetics and Genomics, ARUP Laboratories
Classification: Benign for Myofibrillar myopathy 3. Last evaluated: 2023-11-29. Review status: criteria provided, single submitter. Criteria: ARUP Molecular Germline Variant Investigation Process 2024. Collection method: clinical testing. Allele origin: germline.

Women's Health and Genetics/Laboratory Corporation of America, LabCorp
Classification: Benign. Last evaluated: 2023-04-04. Review status: criteria provided, single submitter. Criteria: LabCorp Variant Classification Summary - May 2015. Collection method: clinical testing. Allele origin: germline.

GeneDx
Classification: Benign. Last evaluated: 2021-03-17. Review status: criteria provided, single submitter. Criteria: GeneDx Variant Classification Process June 2021. Collection method: clinical testing. Allele origin: germline. Affected: yes.
Comment: This variant is associated with the following publications: (PMID: 27884173, 15947064, 25617006, 20981092, 22995991)

Eurofins Ntd Llc (ga)
Classification: Benign. Last evaluated: 2017-10-13. Review status: criteria provided, single submitter. Criteria: EGL Classification Definitions 2015. Collection method: clinical testing. Allele origin: germline. Observed: 111 variant alleles, 111 homozygotes.

Laboratory for Molecular Medicine, Mass General Brigham Personalized Medicine
Classification: Benign. Last evaluated: 2014-11-26. Review status: criteria provided, single submitter. Criteria: LMM Criteria. Collection method: clinical testing. Allele origin: germline. Observed: 15 variant alleles.
Comment: This is a RefSeq error. The reference base (c.220A) is the minor allele. This al lele (A) has been identified in 4% (193/4406) of African American chromosomes by the NHLBI Exome Sequencing Project (dbSNP rs 6890689) and thus meets criteria to be classified as benign.

Clinical Genetics, Academic Medical Center
Classification: Benign. Review status: no assertion criteria provided. Collection method: clinical testing. Allele origin: germline. Affected: yes. Study: VKGL Data-share Consensus. Not counted in ClinVar's aggregate classification.

Diagnostic Laboratory, Department of Genetics, University Medical Center Groningen
Classification: Benign. Review status: no assertion criteria provided. Collection method: clinical testing. Allele origin: germline. Affected: yes. Study: VKGL Data-share Consensus. Not counted in ClinVar's aggregate classification.

Genome Diagnostics Laboratory, University Medical Center Utrecht
Classification: Likely benign. Review status: no assertion criteria provided. Collection method: clinical testing. Allele origin: germline. Affected: yes. Study: VKGL Data-share Consensus. Not counted in ClinVar's aggregate classification.